The following is an entry in ClinVar:

NM_001144869.3(LIPT2):c.95C>G (p.Ala32Gly)

Genes: LIPT2 (lipoyl(octanoyl) transferase 2; minus strand), LIPT2-AS1 (LIPT2 antisense RNA 1; plus strand). Cytogenetic location: 11q13.4.
Variant type: single nucleotide variant.
Coding change: c.95C>G on transcript NM_001144869.3 (MANE Select); coding-DNA position 95, C replaced by G.
Protein change: p.Ala32Gly; replaces alanine 32 with glycine.
Molecular consequence: missense variant. On other transcripts: non-coding transcript variant (1).
Genome position (GRCh38, 1-based): chr11:74,493,609, G>C on the plus strand (C>G on the coding strand, the complement: LIPT2 is on the minus strand). VCF-style: chr11-74493609-G-C. GRCh37 (hg19) VCF-style: chr11-74204654-G-C.
Other names: c.95C>G, p.Ala32Gly (NM_001329941.2, NM_001329942.2); short protein forms A32G.
Identifiers: ClinVar variation 1910961 (VCV001910961.5), dbSNP rs1205233206, ClinGen allele CA381977069.
Genomic context (GRCh38, chr11:74,493,609, plus strand): 5'-GGCTCGCAGAGCAGGAGCGCGCCCGCCTCAGTCCCCGACGGGGCCTCAATGCCTGGCTCG[G>C]CCTGCAGCCGCCGCAGCCAGCGGTCCTGCAGCCCCAGTAGCTCGGCGTACGGCACCCGAC-3'
Protein context (NP_001138341.1, residues 22-42): LQDRWLRRLQ[Ala32Gly]EPGIEAPSGT

ClinVar aggregate classification (germline): Uncertain significance (1 of 4 stars; one submission).

Submission:

Labcorp Genetics (formerly Invitae), Labcorp
Classification: Uncertain significance. Last evaluated: 2021-12-13. Review status: criteria provided, single submitter. Criteria: Invitae Variant Classification Sherloc (09022015). Collection method: clinical testing. Allele origin: germline.
Comment: This sequence change replaces alanine, which is neutral and non-polar, with glycine, which is neutral and non-polar, at codon 32 of the LIPT2 protein (p.Ala32Gly). This variant is present in population databases (no rsID available, gnomAD 0.02%). This variant has not been reported in the literature in individuals affected with LIPT2-related conditions. Algorithms developed to predict the effect of missense changes on protein structure and function are either unavailable or do not agree on the potential impact of this missense change (SIFT: "Not Available"; PolyPhen-2: "Benign"; Align-GVGD: "Not Available"). In summary, the available evidence is currently insufficient to determine the role of this variant in disease. Therefore, it has been classified as a Variant of Uncertain Significance.